The following is an entry in ClinVar:

NM_012388.4(BLOC1S6):c.496G>T (p.Ala166Ser)

Gene: BLOC1S6 (biogenesis of lysosomal organelles complex 1 subunit 6; plus strand). Cytogenetic location: 15q21.1.
Variant type: single nucleotide variant.
Coding change: c.496G>T on transcript NM_012388.4 (MANE Select); coding-DNA position 496, G replaced by T.
Protein change: p.Ala166Ser; replaces alanine 166 with serine.
Molecular consequence: missense variant. On other transcripts: 3 prime UTR variant (1), non-coding transcript variant (10).
Genome position (GRCh38, 1-based): chr15:45,606,491, G>T. VCF-style: chr15-45606491-G-T. GRCh37 (hg19) VCF-style: chr15-45898689-G-T.
Other names: c.511G>T, p.Ala171Ser (NM_001311255.1); c.*147G>T (NM_001311256.1); short protein forms A166S, A171S.
Identifiers: ClinVar variation 2635645 (VCV002635645.1), dbSNP rs773122559, ClinGen allele CA7544391.

ClinVar aggregate classification (germline): Uncertain significance (1 of 4 stars; one submission).

Conditions:
BLOC1S6-related disorder. Also called: BLOC1S6-related condition.

Allele frequency attached by ClinVar (database versions not stated): ExAC 0.00001; gnomAD 0.00001; TOPMed 0.00002.

Submission:

PreventionGenetics, part of Exact Sciences
Classification: Uncertain significance for BLOC1S6-related condition. Last evaluated: 2023-08-20. Review status: criteria provided, single submitter. Criteria: ACMG Guidelines, 2015. Collection method: clinical testing. Allele origin: germline.
Comment: The BLOC1S6 c.496G>T variant is predicted to result in the amino acid substitution p.Ala166Ser. To our knowledge, this variant has not been reported in the literature. This variant is reported in 0.0026% of alleles in individuals of European (Non-Finnish) descent in gnomAD. At this time, the clinical significance of this variant is uncertain due to the absence of conclusive functional and genetic evidence.